The following is an entry in ClinVar:

ClinVar aggregate classification (germline): Uncertain significance. Review status: criteria provided, multiple submitters, no conflicts (2 of 4 stars). 2 submissions from 2 submitters: Uncertain significance (2). Last evaluated 2025-12-03.

Conditions:
Inborn genetic diseases. Identifiers: MedGen C0950123, MeSH D030342.

Allele frequency attached by ClinVar (database versions not stated): TOPMed below 0.00001; gnomAD 0.00001; ExAC 0.00002; gnomAD exomes 0.00002.
gnomAD v4.1: 38 of 1,614,058 alleles (0.0024%); highest among the groups gnomAD compares: South Asian, 0.0033%; no homozygotes.

Submissions (2):

Labcorp Genetics (formerly Invitae), Labcorp
Classification: Uncertain significance. Last evaluated: 2025-12-03. Review status: criteria provided, single submitter. Criteria: Invitae Variant Classification Sherloc (09022015). Collection method: clinical testing. Allele origin: germline.
Comment: This sequence change replaces arginine, which is basic and polar, with glutamine, which is neutral and polar, at codon 1690 of the MYH3 protein (p.Arg1690Gln). This variant is present in population databases (rs774366569, gnomAD 0.003%). This variant has not been reported in the literature in individuals affected with MYH3-related conditions. ClinVar contains an entry for this variant (Variation ID: 1936674). Invitae Evidence Modeling of protein sequence and biophysical properties (such as structural, functional, and spatial information, amino acid conservation, physicochemical variation, residue mobility, and thermodynamic stability) indicates that this missense variant is not expected to disrupt MYH3 protein function with a negative predictive value of 95%. In summary, the available evidence is currently insufficient to determine the role of this variant in disease. Therefore, it has been classified as a Variant of Uncertain Significance.

Ambry Genetics
Classification: Uncertain significance for Inborn genetic diseases. Last evaluated: 2024-09-02. Review status: criteria provided, single submitter. Criteria: Ambry Variant Classification Scheme 2023. Collection method: clinical testing. Allele origin: germline.

NM_002470.4(MYH3):c.5069G>A (p.Arg1690Gln)

Gene: MYH3 (myosin heavy chain 3; minus strand). Cytogenetic location: 17p13.1.
Variant type: single nucleotide variant.
Coding change: c.5069G>A on transcript NM_002470.4 (MANE Select); coding-DNA position 5069, G replaced by A.
Protein change: p.Arg1690Gln; replaces arginine 1690 with glutamine.
Molecular consequence: missense variant.
Genome position (GRCh38, 1-based): chr17:10,631,904, C>T on the plus strand (G>A on the coding strand, the complement: MYH3 is on the minus strand). VCF-style: chr17-10631904-C-T. GRCh37 (hg19) VCF-style: chr17-10535221-C-T.
Other names: c.5069G>A (NM_002470.3); short protein forms R1690Q.
Identifiers: ClinVar variation 1936674 (VCV001936674.6), dbSNP rs774366569, ClinGen allele CA8392054.